The following is an entry in ClinVar:

NM_174936.4(PCSK9):c.1148G>A (p.Ser383Asn)

Gene: PCSK9 (proprotein convertase subtilisin/kexin type 9; plus strand). Cytogenetic location: 1p32.3.
Variant type: single nucleotide variant.
Coding change: c.1148G>A on transcript NM_174936.4 (MANE Select); coding-DNA position 1148, G replaced by A.
Protein change: p.Ser383Asn; replaces serine 383 with asparagine.
Molecular consequence: missense variant.
Genome position (GRCh38, 1-based): chr1:55,057,482, G>A. VCF-style: chr1-55057482-G-A. GRCh37 (hg19) VCF-style: chr1-55523155-G-A.
Other names: c.1271G>A, p.Ser424Asn (NM_001407240.1); c.1148G>A, p.Ser383Asn (NM_001407241.1, NM_001407244.1, NM_001407247.1); c.1151G>A, p.Ser384Asn (NM_001407242.1); c.1091G>A, p.Ser364Asn (NM_001407243.1); c.956G>A, p.Ser319Asn (NM_001407245.1); c.773G>A, p.Ser258Asn (NM_001407246.1); short protein forms S383N, S364N, S384N, S258N, S319N, S424N.
Identifiers: ClinVar variation 806140 (VCV000806140.19), dbSNP rs942292612, ClinGen allele CA22763882.

ClinVar aggregate classification (germline): Uncertain significance. Review status: criteria provided, multiple submitters, no conflicts (2 of 4 stars). 2 submissions from 2 submitters: Uncertain significance (2). Last evaluated 2024-03-06.

Conditions:
Familial hypercholesterolemia. Also called: Familial hypercholesterolaemia; Familial hypercholesterolemias. Identifiers: MedGen C0020445, MONDO:0005439.
Hypercholesterolemia, autosomal dominant, 3 (FHCL3). Also called: Familial hypercholesterolemia 3; PCSK9-Related Familial Hypercholesterolemia, Autosomal Dominant; Familial Hypercholesterolemia, Autosomal Dominant, 3. Identifiers: MedGen C1863551, MONDO:0011369, OMIM 603776.

Allele frequency attached by ClinVar (database versions not stated): gnomAD exomes below 0.00001 and 0.00001; gnomAD 0.00001; TOPMed 0.00001.
gnomAD v4.1: 12 of 1,613,616 alleles (0.00074%); highest among the groups gnomAD compares: Non-Finnish European, 0.001%; no homozygotes.

Submissions (2):

Color Diagnostics, LLC DBA Color Health
Classification: Uncertain significance for Familial hypercholesterolemia. Last evaluated: 2024-03-06. Review status: criteria provided, single submitter. Criteria: ACMG Guidelines, 2015. Collection method: clinical testing. Allele origin: germline.
Comment: This missense variant replaces serine with asparagine at codon 383 of the PCSK9 protein. Computational prediction tools indicate that this variant's impact on protein structure and function is inconclusive. To our knowledge, functional studies have not been reported for this variant. This variant has not been reported in individuals affected with PCSK9-related disorders in the literature. This variant has been identified in 1/250500 chromosomes in the general population by the Genome Aggregation Database (gnomAD). The available evidence is insufficient to determine the role of this variant in disease conclusively. Therefore, this variant is classified as a Variant of Uncertain Significance.

All of Us Research Program, National Institutes of Health
Classification: Uncertain significance for Hypercholesterolemia, autosomal dominant, 3. Last evaluated: 2024-03-05. Review status: criteria provided, single submitter. Criteria: ACMG Guidelines, 2015. Collection method: clinical testing. Allele origin: germline. Inheritance: Autosomal dominant inheritance. Observed: 2 variant alleles, 2 heterozygotes.
Comment: This missense variant replaces serine with asparagine at codon 383 of the PCSK9 protein. Computational prediction is inconclusive regarding the impact of this variant on protein structure and function (internally defined REVEL score threshold 0.5 < inconclusive < 0.7, PMID: 27666373). Splice site prediction tools suggest that this variant may not impact RNA splicing. To our knowledge, functional studies have not been performed for this variant. This variant has not been reported in individuals affected with familial hypercholesterolemia in the literature. This variant has been identified in 1/250500 chromosomes in the general population by the Genome Aggregation Database (gnomAD). The available evidence is insufficient to determine the role of this variant in disease conclusively. Therefore, this variant is classified as a Variant of Uncertain Significance.

This study involves interpretation of variants in research participants for the purpose of population health screening. Participant phenotype was not available at the time of variant classification. Additional details can be found in publication PMID: 35346344, PMCID: PMC8962531